The following is an entry in ClinVar:

ClinVar aggregate classification (germline): Uncertain significance. Review status: criteria provided, multiple submitters, no conflicts (2 of 4 stars). 2 submissions from 2 submitters: Uncertain significance (2). Last evaluated 2024-11-01.

Conditions:
Neuropathy, hereditary sensory and autonomic, type 2A (HSAN2A). Also called: WNK1-Related HSAN2 (HSAN2A); HSAN IIA; ACROOSTEOLYSIS, GIACCAI TYPE; ACROOSTEOLYSIS, NEUROGENIC; MORVAN DISEASE; NEUROPATHY, CONGENITAL SENSORY. Identifiers: Orphanet 970, MedGen C2752089, MONDO:0024309, OMIM 201300.
Generalized epilepsy with febrile seizures plus, type 7 (GEFSP7). Also called: GEFS+, TYPE 7. Identifiers: Orphanet 36387, MedGen C2751778, MONDO:0013470, OMIM 613863.

Allele frequency attached by ClinVar (database versions not stated): gnomAD 0.00001; gnomAD exomes 0.00001.
gnomAD v4.1: 4 of 1,613,390 alleles (0.00025%); highest among the groups gnomAD compares: Non-Finnish European, 0.00034%; no homozygotes.

Submissions (2):

CeGaT Center for Human Genetics Tuebingen
Classification: Uncertain significance. Last evaluated: 2024-11-01. Review status: criteria provided, single submitter. Criteria: CeGaT Center For Human Genetics Tuebingen Variant Classification Criteria Version 2. Collection method: clinical testing. Allele origin: germline. Affected: yes. Observed: 1 variant allele.
Comment: SCN9A: PM2:Supporting

Labcorp Genetics (formerly Invitae), Labcorp
Classification: Uncertain significance for Neuropathy, hereditary sensory and autonomic, type 2A; Generalized epilepsy with febrile seizures plus, type 7. Last evaluated: 2023-05-19. Review status: criteria provided, single submitter. Criteria: Invitae Variant Classification Sherloc (09022015). Collection method: clinical testing. Allele origin: germline.
Comment: ClinVar contains an entry for this variant (Variation ID: 1438137). Advanced modeling of protein sequence and biophysical properties (such as structural, functional, and spatial information, amino acid conservation, physicochemical variation, residue mobility, and thermodynamic stability) performed at Invitae indicates that this missense variant is not expected to disrupt SCN9A protein function. In summary, the available evidence is currently insufficient to determine the role of this variant in disease. Therefore, it has been classified as a Variant of Uncertain Significance. This variant has not been reported in the literature in individuals affected with SCN9A-related conditions. This variant is not present in population databases (gnomAD no frequency). This sequence change replaces cysteine, which is neutral and slightly polar, with serine, which is neutral and polar, at codon 177 of the SCN9A protein (p.Cys177Ser).

NM_001365536.1(SCN9A):c.529T>A (p.Cys177Ser)

Gene: SCN9A (sodium voltage-gated channel alpha subunit 9; minus strand). Cytogenetic location: 2q24.3.
Variant type: single nucleotide variant.
Coding change: c.529T>A on transcript NM_001365536.1 (MANE Select); coding-DNA position 529, T replaced by A.
Protein change: p.Cys177Ser; replaces cysteine 177 with serine.
Molecular consequence: missense variant.
Genome position (GRCh38, 1-based): chr2:166,305,859, A>T on the plus strand (T>A on the coding strand, the complement: SCN9A is on the minus strand). VCF-style: chr2-166305859-A-T. GRCh37 (hg19) VCF-style: chr2-167162369-A-T.
Other names: c.529T>A, p.Cys177Ser (NM_002977.4); short protein forms C177S.
Identifiers: ClinVar variation 1438137 (VCV001438137.22), dbSNP rs1698738037, ClinGen allele CA349095148.
Genomic context (GRCh38, chr2:166,305,859, plus strand): 5'-CAATGACGACAAAATCCAGCCAGTTCCACGGGTCACGAAGAAAAGTGAATTCTCCTACAC[A>T]GAAGCCTCTTGCAAGGATTTTTACAAGTGATTCAAAAGTATATATTCCAGTAAAAGTGTA-3'
Protein context (NP_001352465.1, residues 167-187): SLVKILARGF[Cys177Ser]VGEFTFLRDP